The following is an entry in ClinVar:

NM_004004.6(GJB2):c.524C>G (p.Pro175Arg)

Gene: GJB2 (gap junction protein beta 2; minus strand). Cytogenetic location: 13q12.11.
Variant type: single nucleotide variant.
Coding change: c.524C>G on transcript NM_004004.6 (MANE Select); coding-DNA position 524, C replaced by G.
Protein change: p.Pro175Arg; replaces proline 175 with arginine.
Molecular consequence: missense variant.
Genome position (GRCh38, 1-based): chr13:20,189,058, G>C on the plus strand (C>G on the coding strand, the complement: GJB2 is on the minus strand). VCF-style: chr13-20189058-G-C. GRCh37 (hg19) VCF-style: chr13-20763197-G-C.
Other names: short protein forms P175R.
Identifiers: ClinVar variation 1299641 (VCV001299641.1), dbSNP rs2137307322, ClinGen allele CA387460970.

ClinVar aggregate classification (germline): Likely pathogenic (1 of 4 stars; one submission).

Conditions:
Autosomal dominant keratitis-ichthyosis-hearing loss syndrome. Also called: HID SYNDROME; Senter syndrome; KID SYNDROME, AUTOSOMAL DOMINANT. Identifiers: Orphanet 477, MedGen C0265336, MONDO:0007850, OMIM 148210.

Allele frequency attached by ClinVar (database versions not stated): gnomAD exomes below 0.00001.

Submission:

Laboratory of Medical Genetics, National & Kapodistrian University of Athens
Classification: Likely pathogenic for Autosomal dominant keratitis-ichthyosis-hearing loss syndrome. Last evaluated: 2021-10-01. Review status: criteria provided, single submitter. Criteria: ACMG Guidelines, 2015. Collection method: clinical testing. Allele origin: paternal. Affected: yes.
Comment: PM1, PM2, PP2, PP3

Literature cited by the submitters: PubMed 34008892.